The following is an entry in ClinVar:

NM_198253.3(TERT):c.1219G>A (p.Val407Met)

Gene: TERT (telomerase reverse transcriptase; minus strand). Cytogenetic location: 5p15.33.
Variant type: single nucleotide variant.
Coding change: c.1219G>A on transcript NM_198253.3 (MANE Select); coding-DNA position 1219, G replaced by A.
Protein change: p.Val407Met; replaces valine 407 with methionine.
Molecular consequence: missense variant. On other transcripts: non-coding transcript variant (2).
Genome position (GRCh38, 1-based): chr5:1,293,667, C>T on the plus strand (G>A on the coding strand, the complement: TERT is on the minus strand). VCF-style: chr5-1293667-C-T. GRCh37 (hg19) VCF-style: chr5-1293782-C-T.
Other names: c.1219G>A, p.Val407Met (NM_001193376.3); short protein forms V407M.
Identifiers: ClinVar variation 1051465 (VCV001051465.9), dbSNP rs1751148544, ClinGen allele CA359086506.

ClinVar aggregate classification (germline): Uncertain significance (1 of 4 stars; one submission).

Conditions:
Dyskeratosis congenita, autosomal dominant 2. Identifiers: MedGen C3151443, MONDO:0013521, OMIM 613989.
Idiopathic Pulmonary Fibrosis. Also called: Idiopathic fibrosing alveolitis, chronic form; idiopathic fibrosing alveolitis. Identifiers: Orphanet 2032, MedGen C1800706, MeSH D054990, MONDO:0800504.

Submission:

Labcorp Genetics (formerly Invitae), Labcorp
Classification: Uncertain significance for Dyskeratosis congenita, autosomal dominant 2; Idiopathic Pulmonary Fibrosis. Last evaluated: 2020-07-19. Review status: criteria provided, single submitter. Criteria: Invitae Variant Classification Sherloc (09022015). Collection method: clinical testing. Allele origin: germline.
Comment: This sequence change replaces valine with methionine at codon 407 of the TERT protein (p.Val407Met). The valine residue is weakly conserved and there is a small physicochemical difference between valine and methionine. This variant is not present in population databases (ExAC no frequency). This variant has not been reported in the literature in individuals with TERT-related conditions. Algorithms developed to predict the effect of missense changes on protein structure and function (SIFT, PolyPhen-2, Align-GVGD) all suggest that this variant is likely to be tolerated, but these predictions have not been confirmed by published functional studies and their clinical significance is uncertain. In summary, the available evidence is currently insufficient to determine the role of this variant in disease. Therefore, it has been classified as a Variant of Uncertain Significance.